The following is an entry in ClinVar:

NM_001199753.2(CPT1C):c.1915G>A (p.Ala639Thr)

Gene: CPT1C (carnitine palmitoyltransferase 1C; plus strand). Cytogenetic location: 19q13.33.
Variant type: single nucleotide variant.
Coding change: c.1915G>A on transcript NM_001199753.2 (MANE Select); coding-DNA position 1915, G replaced by A.
Protein change: p.Ala639Thr; replaces alanine 639 with threonine.
Molecular consequence: missense variant. On other transcripts: non-coding transcript variant (1).
Genome position (GRCh38, 1-based): chr19:49,711,857, G>A. VCF-style: chr19-49711857-G-A. GRCh37 (hg19) VCF-style: chr19-50215114-G-A.
Other names: p.Ala628Thr; c.1882G>A, p.Ala628Thr (NM_001136052.3, NM_001378485.1); c.1915G>A, p.Ala639Thr (NM_001199752.3, NM_001378483.1, NM_001378484.1 and 1 more transcripts); c.1981G>A, p.Ala661Thr (NM_001378482.1); c.1780G>A, p.Ala594Thr (NM_001378486.1, NM_001378488.1); c.1747G>A, p.Ala583Thr (NM_001378487.1); short protein forms A628T, A639T, A594T, A583T, A661T.
Identifiers: ClinVar variation 476174 (VCV000476174.41), dbSNP rs143478074, ClinGen allele CA9582362.

ClinVar aggregate classification (germline): Benign/Likely benign. Review status: criteria provided, multiple submitters, no conflicts (2 of 4 stars). 6 submissions from 6 submitters: Benign (2); Likely benign (3). 1 of the submissions does not count toward it. Last evaluated 2025-12-21.

Conditions:
Hereditary spastic paraplegia 73. Also called: Spastic paraplegia 73, autosomal dominant. Identifiers: Orphanet 444099, MedGen C5568981, MONDO:0014568, OMIM 616282.
CPT1C-related disorder. Also called: CPT1C-related condition.

Allele frequency attached by ClinVar (database versions not stated): 1000 Genomes Project 30x 0.00062; 1000 Genomes Project 0.00080; ESP Exome Variant Server 0.00161; gnomAD 0.00218 and 0.00227; TOPMed 0.00229; gnomAD exomes 0.00238 and 0.00334; ExAC 0.00264.
gnomAD v4.1: 5,210 of 1,613,954 alleles (0.32%); highest among the groups gnomAD compares: Non-Finnish European, 0.39%; 10 homozygotes.

Submissions (6):

Labcorp Genetics (formerly Invitae), Labcorp
Classification: Likely benign for Hereditary spastic paraplegia 73. Last evaluated: 2025-12-21. Review status: criteria provided, single submitter. Criteria: Invitae Variant Classification Sherloc (09022015). Collection method: clinical testing. Allele origin: germline.

Blueprint Genetics
Classification: Likely benign. Last evaluated: 2024-11-27. Review status: criteria provided, single submitter. Criteria: ACMG Guidelines, 2015. Collection method: clinical testing. Allele origin: germline.

Mayo Clinic Laboratories, Mayo Clinic
Classification: Benign. Last evaluated: 2023-08-21. Review status: criteria provided, single submitter. Criteria: ACMG Guidelines, 2015. Collection method: clinical testing. Allele origin: germline. Observed: 3 variant alleles.
Comment: BS1, BS2, BP4

CeGaT Center for Human Genetics Tuebingen
Classification: Benign. Last evaluated: 2022-09-01. Review status: criteria provided, single submitter. Criteria: CeGaT Center For Human Genetics Tuebingen Variant Classification Criteria Version 2. Collection method: clinical testing. Allele origin: germline. Affected: yes. Observed: 1 variant allele.
Comment: CPT1C: BS1, BS2

Breakthrough Genomics
Classification: Likely benign. Review status: criteria provided, single submitter. Criteria: ACMG Guidelines, 2015. Collection method: not provided. Allele origin: germline. Inheritance: Autosomal dominant inheritance. Affected: yes.

PreventionGenetics, part of Exact Sciences
Classification: Likely benign for CPT1C-related condition. Last evaluated: 2020-06-30. Review status: no assertion criteria provided. Collection method: clinical testing. Allele origin: germline. Not counted in ClinVar's aggregate classification.
Comment: This variant is classified as likely benign based on ACMG/AMP sequence variant interpretation guidelines (Richards et al. 2015 PMID: 25741868, with internal and published modifications).